The following is an entry in ClinVar:

ClinVar aggregate classification (germline): Likely benign (1 of 4 stars; one submission).

Allele frequency attached by ClinVar (database versions not stated): TOPMed below 0.00001; gnomAD 0.00009.
gnomAD v4.1: 1 of 1,418,754 alleles (0.00007%); highest among the groups gnomAD compares: Non-Finnish European, 0.000092%; no homozygotes.

Submission:

CeGaT Center for Human Genetics Tuebingen
Classification: Likely benign. Last evaluated: 2024-06-01. Review status: criteria provided, single submitter. Criteria: CeGaT Center For Human Genetics Tuebingen Variant Classification Criteria Version 2. Collection method: clinical testing. Allele origin: germline. Affected: yes. Observed: 1 variant allele.
Comment: EXOC6B: BP4, BP7

NM_015189.3(EXOC6B):c.1980+30A>G

Gene: EXOC6B (exocyst complex component 6B; minus strand). Cytogenetic location: 2p13.2.
Variant type: single nucleotide variant.
Coding change: c.1980+30A>G on transcript NM_015189.3 (MANE Select); 30 bases into the intron after coding-DNA position 1980, A replaced by G.
Molecular consequence: intron variant.
Genome position (GRCh38, 1-based): chr2:72,465,130, T>C on the plus strand (A>G on the coding strand, the complement: EXOC6B is on the minus strand). VCF-style: chr2-72465130-T-C. GRCh37 (hg19) VCF-style: chr2-72692259-T-C.
Other names: c.1641+30A>G (NM_001321734.2); c.1845+30A>G (NM_001321733.2, NM_001321730.2); c.1980+30A>G (NM_001321729.2, NM_001321731.2).
Identifiers: ClinVar variation 3251114 (VCV003251114.18), dbSNP rs1020463995.